The following is an entry in ClinVar:

ClinVar aggregate classification (germline): Uncertain significance (1 of 4 stars; one submission).

Conditions:
Charcot-Marie-tooth disease, axonal, type 2DD. Also called: CHARCOT-MARIE-TOOTH NEUROPATHY, TYPE 2DD. Identifiers: Orphanet 521414, MedGen C4747974, MONDO:0054833, OMIM 618036.

Submission:

Victorian Clinical Genetics Services, Murdoch Childrens Research Institute
Classification: Uncertain significance for Charcot-Marie-tooth disease, axonal, type 2DD. Last evaluated: 2022-02-02. Review status: criteria provided, single submitter. Criteria: ACMG Guidelines, 2015. Collection method: clinical testing. Allele origin: germline. Inheritance: Autosomal dominant inheritance.
Comment: Based on the classification scheme VCGS_Germline_v1.3.4, this variant is classified as VUS-3B. Following criteria are met: 0102 - Loss of function is a known mechanism of disease in this gene and is associated with Charcot-Marie-Tooth disease, axonal, type 2DD (MIM#618036) and hypomagnesemia, seizures, and mental retardation 2 (MIM#618314). Loss of function has been clearly established for missense variants however, there is currently no information in the literature on the mechanism of disease associated with ATP1A1 protein truncating variants (PMIDs: 29499166, 30388404; OMIM). (I) 0107 - This gene is associated with autosomal dominant disease. (I) 0200 - Variant is predicted to result in a missense amino acid change from lysine to threonine. (I) 0251 - This variant is heterozygous. (I) 0301 - Variant is absent from gnomAD (both v2 and v3). (SP) 0502 - Missense variant with conflicting in silico predictions and uninformative conservation. (I) 0604 - Variant is not located in an established domain, motif, hotspot or informative constraint region. (I) 0705 - No comparable missense variants have previous evidence for pathogenicity. (I) 0807 - This variant has no previous evidence of pathogenicity. (I) 0905 - No published segregation evidence has been identified for this variant. (I) 1007 - No published functional evidence has been identified for this variant. (SP) Legend: (SP) - Supporting pathogenic, (I) - Information, (SB) - Supporting benign

Literature cited by the submitters: PubMed 31705535; PubMed 29499166; PubMed 30388404.

NM_000701.8(ATP1A1):c.8A>C (p.Lys3Thr)

Gene: ATP1A1 (ATPase Na+/K+ transporting subunit alpha 1; plus strand). Cytogenetic location: 1p13.1.
Variant type: single nucleotide variant.
Coding change: c.8A>C on transcript NM_000701.8 (MANE Select); coding-DNA position 8, A replaced by C.
Protein change: p.Lys3Thr; replaces lysine 3 with threonine.
Molecular consequence: missense variant.
Genome position (GRCh38, 1-based): chr1:116,373,519, A>C. VCF-style: chr1-116373519-A-C. GRCh37 (hg19) VCF-style: chr1-116916141-A-C.
Other names: short protein forms K3T.
Identifiers: ClinVar variation 1699367 (VCV001699367.3), dbSNP rs976510541, ClinGen allele CA341838779.